The following is an entry in ClinVar:

ClinVar aggregate classification (germline): Conflicting classifications of pathogenicity. Review status: criteria provided, conflicting classifications (1 of 4 stars). 4 submissions from 4 submitters: Uncertain significance (3); Likely benign (1). Last evaluated 2025-07-28.

Conditions:
Ehlers-Danlos syndrome, classic type, 1 (EDSCL1). Also called: Ehlers-Danlos Syndrome, Classic Type, COL5A1-Related; EHLERS-DANLOS SYNDROME, GRAVIS TYPE; EHLERS-DANLOS SYNDROME, SEVERE CLASSIC TYPE; Ehlers-Danlos syndrome, type 1; EDS I. Identifiers: MedGen C0268335, MONDO:0019567, OMIM 130000.
Familial thoracic aortic aneurysm and aortic dissection (TAAD). Also called: Thoracic aortic aneurysms and dissections. Identifiers: Orphanet 91387, MedGen C4707243, MONDO:0019625.

Allele frequency attached by ClinVar (database versions not stated): gnomAD exomes below 0.00001 and 0.00004; gnomAD 0.00001; TOPMed 0.00001.
gnomAD v4.1: 53 of 1,612,962 alleles (0.0033%); highest among the groups gnomAD compares: Non-Finnish European, 0.0044%; no homozygotes.

Submissions (4):

Ambry Genetics
Classification: Uncertain significance for Familial thoracic aortic aneurysm and aortic dissection. Last evaluated: 2025-07-28. Review status: criteria provided, single submitter. Criteria: Ambry Variant Classification Scheme 2023. Collection method: clinical testing. Allele origin: germline.
Comment: The p.C1645Y variant (also known as c.4934G>A), located in coding exon 62 of the COL5A1 gene, results from a G to A substitution at nucleotide position 4934. The cysteine at codon 1645 is replaced by tyrosine, an amino acid with highly dissimilar properties. This amino acid position is well conserved in available vertebrate species. In addition, the in silico prediction for this alteration is inconclusive. Based on the available evidence, the clinical significance of this variant remains unclear.

Women's Health and Genetics/Laboratory Corporation of America, LabCorp
Classification: Uncertain significance. Last evaluated: 2024-06-09. Review status: criteria provided, single submitter. Criteria: LabCorp Variant Classification Summary - May 2015. Collection method: clinical testing. Allele origin: germline.

GeneDx
Classification: Uncertain significance. Last evaluated: 2023-12-12. Review status: criteria provided, single submitter. Criteria: GeneDx Variant Classification Process June 2021. Collection method: clinical testing. Allele origin: germline. Affected: yes.
Comment: Has not been previously published as pathogenic or benign to our knowledge; Not observed at significant frequency in large population cohorts (gnomAD); Not located in the triple helical region, where the majority of pathogenic missense variants occur (PMID: 22696272, HGMD); In silico analysis supports that this missense variant has a deleterious effect on protein structure/function; This variant is associated with the following publications: (PMID: 22696272)

Labcorp Genetics (formerly Invitae), Labcorp
Classification: Likely benign for Ehlers-Danlos syndrome, classic type, 1. Last evaluated: 2023-10-22. Review status: criteria provided, single submitter. Criteria: Invitae Variant Classification Sherloc (09022015). Collection method: clinical testing. Allele origin: germline.

NM_000093.5(COL5A1):c.4934G>A (p.Cys1645Tyr)

Genes: COL5A1 (collagen type V alpha 1 chain; plus strand), LOC101448202 (uncharacterized LOC101448202; minus strand). Cytogenetic location: 9q34.3.
Variant type: single nucleotide variant.
Coding change: c.4934G>A on transcript NM_000093.5 (MANE Select); coding-DNA position 4934, G replaced by A.
Protein change: p.Cys1645Tyr; replaces cysteine 1645 with tyrosine.
Molecular consequence: missense variant.
Genome position (GRCh38, 1-based): chr9:134,824,835, G>A. VCF-style: chr9-134824835-G-A. GRCh37 (hg19) VCF-style: chr9-137716681-G-A.
Other names: p.C1645Y:TGC>TAC; c.4934G>A, p.Cys1645Tyr (NM_001278074.1); short protein forms C1645Y.
Identifiers: ClinVar variation 212995 (VCV000212995.11), dbSNP rs863223461, ClinGen allele CA324563.